The following is an entry in ClinVar:

ClinVar aggregate classification (germline): Uncertain significance (1 of 4 stars; one submission).

Allele frequency attached by ClinVar (database versions not stated): gnomAD exomes 0.00001; gnomAD 0.00003.
gnomAD v4.1: 11 of 1,588,086 alleles (0.00069%); highest among the groups gnomAD compares: Middle Eastern, 0.18%; no homozygotes.

Submission:

Labcorp Genetics (formerly Invitae), Labcorp
Classification: Uncertain significance. Last evaluated: 2022-08-04. Review status: criteria provided, single submitter. Criteria: Invitae Variant Classification Sherloc (09022015). Collection method: clinical testing. Allele origin: germline.
Comment: This sequence change replaces lysine, which is basic and polar, with glutamic acid, which is acidic and polar, at codon 756 of the PIBF1 protein (p.Lys756Glu). This variant is not present in population databases (gnomAD no frequency). This variant has not been reported in the literature in individuals affected with PIBF1-related conditions. Algorithms developed to predict the effect of missense changes on protein structure and function are either unavailable or do not agree on the potential impact of this missense change (SIFT: "Deleterious"; PolyPhen-2: "Probably Damaging"; Align-GVGD: "Class C0"). In summary, the available evidence is currently insufficient to determine the role of this variant in disease. Therefore, it has been classified as a Variant of Uncertain Significance.

NM_006346.4(PIBF1):c.2266A>G (p.Lys756Glu)

Gene: PIBF1 (progesterone immunomodulatory binding factor 1; plus strand). Cytogenetic location: 13q22.1.
Variant type: single nucleotide variant.
Coding change: c.2266A>G on transcript NM_006346.4 (MANE Select); coding-DNA position 2266, A replaced by G.
Protein change: p.Lys756Glu; replaces lysine 756 with glutamic acid.
Molecular consequence: missense variant. On other transcripts: non-coding transcript variant (2).
Genome position (GRCh38, 1-based): chr13:73,015,911, A>G. VCF-style: chr13-73015911-A-G. GRCh37 (hg19) VCF-style: chr13-73590049-A-G.
Other names: c.2353A>G, p.Lys785Glu (NM_001349655.2); short protein forms K756E, K785E.
Identifiers: ClinVar variation 2170106 (VCV002170106.4), dbSNP rs1252720022, ClinGen allele CA388348094.